The following is an entry in ClinVar:

ClinVar aggregate classification (germline): Uncertain significance (1 of 4 stars; one submission).

Allele frequency attached by ClinVar (database versions not stated): TOPMed below 0.00001; gnomAD 0.00001.
gnomAD v4.1: 7 of 1,316,836 alleles (0.00053%); highest among the groups gnomAD compares: Non-Finnish European, 0.00077%; no homozygotes.

Submission:

Labcorp Genetics (formerly Invitae), Labcorp
Classification: Uncertain significance. Last evaluated: 2022-05-29. Review status: criteria provided, single submitter. Criteria: Invitae Variant Classification Sherloc (09022015). Collection method: clinical testing. Allele origin: germline.
Comment: This sequence change falls in intron 29 of the COL18A1 gene. It does not directly change the encoded amino acid sequence of the COL18A1 protein. This variant is present in population databases (no rsID available, gnomAD 0.0009%). This variant has not been reported in the literature in individuals affected with COL18A1-related conditions. Algorithms developed to predict the effect of sequence changes on RNA splicing suggest that this variant may create or strengthen a splice site. In summary, the available evidence is currently insufficient to determine the role of this variant in disease. Therefore, it has been classified as a Variant of Uncertain Significance.

NM_001379500.1(COL18A1):c.2509-7C>A

Gene: COL18A1 (collagen type XVIII alpha 1 chain; plus strand). Cytogenetic location: 21q22.3.
Variant type: single nucleotide variant.
Coding change: c.2509-7C>A on transcript NM_001379500.1 (MANE Select); 7 bases into the intron before coding-DNA position 2509, C replaced by A.
Molecular consequence: intron variant.
Genome position (GRCh38, 1-based): chr21:45,496,493, C>A. VCF-style: chr21-45496493-C-A. GRCh37 (hg19) VCF-style: chr21-46916407-C-A.
Other names: c.3754-7C>A (NM_130444.3); c.3049-7C>A (NM_030582.4).
Identifiers: ClinVar variation 2000280 (VCV002000280.4), dbSNP rs1366885106, ClinGen allele CA638165021.
Genomic context (GRCh38, chr21:45,496,493, plus strand): 5'-GTCTCTGCTCCCAGCTGCTGCCTGACAGGCAGGCCATAAGCCTAACAGCTCTCTGCCCTC[C>A]CCACAGGGAATGCCCGGCCCCCCAGGACCTCCAGGGCCCCCAGGCCCTCCAGGGACTCCT-3'